The following is an entry in ClinVar:

ClinVar aggregate classification (germline): Conflicting classifications of pathogenicity. Review status: criteria provided, conflicting classifications (1 of 4 stars). 2 submissions from 2 submitters: Likely pathogenic (1); Uncertain significance (1). Last evaluated 2025-02-03.

Conditions:
Long QT syndrome (LQTS). Identifiers: MedGen C0023976, MeSH D008133, MONDO:0002442. Disease mechanism: loss of function. Inheritance: Various modes of inheritance.
Long QT syndrome 2 (LQT2). Identifiers: Orphanet 101016, Orphanet 768, MedGen C3150943, MONDO:0013367, OMIM 613688.

Submissions (2):

Clinical Genomics Laboratory, Washington University in St. Louis
Classification: Likely pathogenic for Long QT syndrome 2. Last evaluated: 2025-02-03. Review status: criteria provided, single submitter. Criteria: ACMG Guidelines, 2015. Collection method: clinical testing. Allele origin: germline. Affected: yes.
Comment: The KCNH2 c.233C>T (p.Ala78Val) variant has been reported in at least one individual with long QT syndrome 2 (Yoshinaga M et al., PMID: 24363352). This variant has been reported in the ClinVar database as a germline variant of uncertain significance in long QT syndrome by one submitter (Variation ID: 957483). This variant is absent from the general population (gnomAD v.2.1.1), indicating it is not a common variant. This variant resides within the intracellular N-terminus PAS domain, at Ala78 residue, of KCNH2 that is defined as a critical functional domain (Morais Cabral JH et al., PMID: 9845367; Walsh R et al., PMID: 32893267; Wang W et al., PMID: 28431243). Computational predictors indicate that the variant is damaging, evidence that correlates with impact to KCNH2 function. In support of this prediction, in vitro functional studies show that this variant results in decreased expression of mature KCNH2 protein, thereby affecting protein function (Kondo T et al., PMID: 27761169). Another variant in the same codon, c.232G>A (p.Ala78Thr), has been reported in affected individuals with long QT syndrome and is considered pathogenic/likely pathogenic (Burns C et al., PMID: 27920829; Kondo T et al., PMID: 27761169, ClinVar Variation ID: 1197726). Based on available information and the ACMG/AMP guidelines for variant interpretation (Richards S et al., PMID: 25741868), the KCNH2 c.233C>T (p.Ala78Val) variant is classified as likely pathogenic.

Labcorp Genetics (formerly Invitae), Labcorp
Classification: Uncertain significance for Long QT syndrome. Last evaluated: 2019-07-16. Review status: criteria provided, single submitter. Criteria: Invitae Variant Classification Sherloc (09022015). Collection method: clinical testing. Allele origin: germline.
Comment: This sequence change replaces alanine with valine at codon 78 of the KCNH2 protein (p.Ala78Val). The alanine residue is weakly conserved and there is a small physicochemical difference between alanine and valine. This variant is not present in population databases (ExAC no frequency). This variant has been observed in an individual referred for long QT syndrome testing (PMID: 24363352). This variant has been reported to affect KCNH2 protein function (PMID: 27761169). In summary, the available evidence is currently insufficient to determine the role of this variant in disease. Therefore, it has been classified as a Variant of Uncertain Significance.

Literature cited by the submitters: PubMed 24363352 (cited by Labcorp Genetics (formerly Invitae), Labcorp); PubMed 27761169 (cited by Labcorp Genetics (formerly Invitae), Labcorp).

NM_000238.4(KCNH2):c.233C>T (p.Ala78Val)

Gene: KCNH2 (potassium voltage-gated channel subfamily H member 2; minus strand). Cytogenetic location: 7q36.1.
Variant type: single nucleotide variant.
Coding change: c.233C>T on transcript NM_000238.4 (MANE Select); coding-DNA position 233, C replaced by T.
Protein change: p.Ala78Val; replaces alanine 78 with valine.
Molecular consequence: missense variant.
Genome position (GRCh38, 1-based): chr7:150,974,785, G>A on the plus strand (C>T on the coding strand, the complement: KCNH2 is on the minus strand). VCF-style: chr7-150974785-G-A. GRCh37 (hg19) VCF-style: chr7-150671873-G-A.
Other names: c.56C>T, p.Ala19Val (NM_001406755.1); c.233C>T, p.Ala78Val (NM_172056.3); short protein forms A78V, A19V.
Identifiers: ClinVar variation 957483 (VCV000957483.10), dbSNP rs1801933488, ClinGen allele CA369865525.
Genomic context (GRCh38, chr7:150,974,785, plus strand): 5'-AAGGCGATTTCCACTTTGCGCTCCTCGGCGCCCAGCAGTGCCTGCGCGATCTGCGCGGCA[G>A]CGCGGCGCTGCGTGCGCGGCCCGTGCAGGAAGTCGCAGGTGCAGGGTCGCTGCATCACCT-3'
Protein context (NP_000229.1, residues 68-88): FLHGPRTQRR[Ala78Val]AAQIAQALLG